The following is an entry in ClinVar:

NM_000535.7(PMS2):c.86G>C (p.Gly29Ala)

Gene: PMS2 (PMS1 homolog 2, mismatch repair system component; minus strand). Cytogenetic location: 7p22.1.
Variant type: single nucleotide variant.
Coding change: c.86G>C on transcript NM_000535.7 (MANE Select); coding-DNA position 86, G replaced by C.
Protein change: p.Gly29Ala; replaces glycine 29 with alanine.
Molecular consequence: missense variant. On other transcripts: 5 prime UTR variant (8), non-coding transcript variant (1), intron variant (3).
Genome position (GRCh38, 1-based): chr7:6,005,969, C>G on the plus strand (G>C on the coding strand, the complement: PMS2 is on the minus strand). VCF-style: chr7-6005969-C-G. GRCh37 (hg19) VCF-style: chr7-6045600-C-G.
Other names: p.G29A:GGG>GCG; c.-320G>C (NM_001322003.2, NM_001322005.2, NM_001322009.2 and 1 more transcripts); c.86G>C, p.Gly29Ala (NM_001322006.2, NM_001322014.2); c.-130G>C (NM_001322007.2); c.-799G>C (NM_001322011.2, NM_001322012.2); c.-399G>C (NM_001322015.2); c.-52-1911G>C (NM_001322008.2); c.-242-1911G>C (NM_001322010.2, NM_001322004.2); short protein forms G29A.
Identifiers: ClinVar variation 41721 (VCV000041721.87), dbSNP rs146176004, ClinGen allele CA013092.

ClinVar aggregate classification (germline): Conflicting classifications of pathogenicity. Review status: criteria provided, conflicting classifications (1 of 4 stars). 24 submissions from 24 submitters: Uncertain significance (4); Benign (2); Likely benign (13). 5 of the submissions do not count toward it. Last evaluated 2026-06-15.

Conditions:
PMS2-related disorder. Also called: PMS2-related condition.
Hereditary nonpolyposis colorectal neoplasms. Identifiers: MedGen C0009405, MeSH D003123.
Inherited MMR deficiency (Lynch syndrome).
Hereditary cancer-predisposing syndrome. Also called: Tumor predisposition; Neoplastic Syndromes, Hereditary; Hereditary Cancer Syndrome; Hereditary neoplastic syndrome. Identifiers: Orphanet 140162, MedGen C0027672, MeSH D009386, MONDO:0015356.
Breast and/or ovarian cancer. Identifiers: MedGen CN221562.
Lynch syndrome. Identifiers: Orphanet 144, MedGen C4552100, MONDO:0005835. Disease mechanism: loss of function.
Hereditary breast ovarian cancer syndrome. Also called: Hereditary breast and ovarian cancer syndrome; Hereditary breast and ovarian cancer; Hereditary breast and ovarian cancer syndrome (HBOC); Hereditary breast and/or ovarian cancer syndrome; Breast and ovarian cancer; BRCA1- and BRCA2-Associated Hereditary Breast and Ovarian Cancer. Identifiers: Orphanet 145, MedGen C0677776, MeSH D061325, MONDO:0003582. Disease mechanism: loss of function.
Lynch syndrome 4 (LYNCH4). Also called: Hereditary non-polyposis colorectal cancer, type 4; Colorectal cancer, hereditary nonpolyposis, type 4. Identifiers: Orphanet 144, MedGen C1838333, MONDO:0013699, OMIM 614337. Disease mechanism: loss of function.

Allele frequency attached by ClinVar (database versions not stated): gnomAD 0.00060 and 0.00059; gnomAD exomes 0.00061 and 0.00047; 1000 Genomes Project 0.00020; ESP Exome Variant Server 0.00027; TOPMed 0.00046; ExAC 0.00048; 1000 Genomes Project 30x 0.00016.
gnomAD v4.1: 808 of 1,610,736 alleles (0.05%); highest among the groups gnomAD compares: Non-Finnish European, 0.04%; 1 homozygote.

Submissions 1 to 11 of 25:

Cambridge Genomics Laboratory, East Genomic Laboratory Hub, NHS Genomic Medicine Service
Classification: Likely benign for Inherited MMR deficiency (Lynch syndrome). Last evaluated: 2026-06-15. Review status: criteria provided, single submitter. Criteria: ACGS Best Practice Guidelines for Variant Classification in Rare Disease 2020. Collection method: clinical testing. Allele origin: germline. Affected: yes.
Comment: PP3_Moderate,BS1_Strong

German Consortium for Hereditary Breast and Ovarian Cancer, University Hospital Cologne
Classification: Likely benign for Hereditary breast ovarian cancer syndrome. Last evaluated: 2026-03-13. Review status: criteria provided, single submitter. Criteria: ClinGen PMS2 V1.0.0. Collection method: curation. Allele origin: germline.
Comment: This classification follows the ClinGen InSiGHT ACMG PMS2 v1.0.0 classification scheme; We chose these criteria: PP3 (medium pathogenic): MAPP/PP2 Prior P = 0.8883 (thus > 0.81), BS1 (strong benign): gnomAD v4.1.0 Grpmax Filtering AF = 0.0003714 (= 0.037%; thus ≥ 0.00028 and < 0.0028 (0.028-0.28%)), BS2 (strong benign): Found in 1 homozygous individual (age 70 - 75) listed in the gnomAD v2.1.1 (non-cancer) controls cohort

Labcorp Genetics (formerly Invitae), Labcorp
Classification: Benign for Hereditary nonpolyposis colorectal neoplasms. Last evaluated: 2026-02-02. Review status: criteria provided, single submitter. Criteria: Invitae Variant Classification Sherloc (09022015). Collection method: clinical testing. Allele origin: germline.

CeGaT Center for Human Genetics Tuebingen
Classification: Likely benign. Last evaluated: 2025-11-01. Review status: criteria provided, single submitter. Criteria: CeGaT Center For Human Genetics Tuebingen Variant Classification Criteria Version 2. Collection method: clinical testing. Allele origin: germline. Affected: yes. Observed: 13 variant alleles.
Comment: PMS2: PP3, BP2, BS1

Center for Genomic Medicine, Rigshospitalet, Copenhagen University Hospital
Classification: Likely benign. Last evaluated: 2025-03-04. Review status: criteria provided, single submitter. Criteria: ACMG Guidelines, 2015. Collection method: clinical testing. Allele origin: germline.

Laboratory of Genetics, Children's Clinical University Hospital Latvia
Classification: Likely benign. Last evaluated: 2025-02-16. Review status: criteria provided, single submitter. Criteria: ACMG Guidelines, 2015. Collection method: clinical testing. Allele origin: germline. Affected: yes.

ARUP Laboratories, Molecular Genetics and Genomics, ARUP Laboratories
Classification: Uncertain significance. Last evaluated: 2025-02-07. Review status: criteria provided, single submitter. Criteria: ARUP Molecular Germline Variant Investigation Process 2024. Collection method: clinical testing. Allele origin: germline.
Comment: The PMS2 c.86G>C;p.Gly29Ala variant (ClinVar Variation ID: 41721) has been published in the literature in reportedly healthy individuals (Bodian 2014, Johnston 2012) as well as individuals with colorectal cancer or breast cancer (Goodenberger 2016, Nikitin 2020, Tung 2016, Yurgelun 2017). Several of these individuals had other known pathogenic or risk factor variants in cancer susceptibility genes. This variant is found in the general population with an overall allele frequency of 0.057% (150/264,494 alleles, including 1 homozygote) in the non-cancer cohort of Genome Aggregation Database (v2.1.1) with a higher frequency observed in the Ashkenazi Jewish population (0.63%; 62/9,774 alleles). Although this frequency is higher than expected for a pathogenic variant, this variant was significantly associated with breast cancer in a recent case-control study (Nikitin 2020). Computational analyses predict that this variant is deleterious (REVEL: 0.825). Due to conflicting information, the clinical significance of the p.Gly29Ala variant is uncertain at this time. References: Bodian et al. Germline variation in cancer-susceptibility genes in a healthy, ancestrally diverse cohort: implications for individual genome sequencing. PLoS One. 2014 Apr 11;9(4):e94554. PMID: 24728327 Goodenberger et al. PMS2 monoallelic mutation carriers: the known unknown. Genet Med. 2016 Jan;18(1):13-9. PMID: 25856668 Johnston et al. Secondary variants in individuals undergoing exome sequencing: screening of 572 individuals identifies high-penetrance mutations in cancer-susceptibility genes. Am J Hum Genet. 2012 Jul 13;91(1):97-108. PMID: 22703879 Nikitin et al. Lynch Syndrome Germline Mutations in Breast Cancer: Next Generation Sequencing Case-Control Study of 1,263 Participants. Front Oncol. 2020 May 29;10:666. PMID: 32547938 Tung et al. Frequency of Germline Mutations in 25 Cancer Susceptibility Genes in a Sequential Series of Patients With Breast Cancer. J Clin Oncol. 2016 May 1;34(13):1460-8. PMID: 26976419 Yurgelun et al. Cancer Susceptibility Gene Mutations in Individuals With Colorectal Cancer. J Clin Oncol. 2017 Apr 1;35(10):1086-1095. PMID: 28135145

Myriad Genetics, Inc.
Classification: Likely benign for Lynch syndrome 4. Last evaluated: 2025-01-23. Review status: criteria provided, single submitter. Criteria: Myriad Autosomal Dominant, Autosomal Recessive and X-Linked Classification Criteria (2023). Collection method: clinical testing. Allele origin: unknown.
Comment: This variant is considered likely benign. This variant has been observed in trans with a known pathogenic variant in one or more individuals lacking clinical features consistent with gene-specific recessive disease.

All of Us Research Program, National Institutes of Health
Classification: Likely benign for Lynch syndrome. Last evaluated: 2024-09-23. Review status: criteria provided, single submitter. Criteria: ACMG Guidelines, 2015. Collection method: clinical testing. Allele origin: germline. Inheritance: Autosomal dominant inheritance. Observed: 214 variant alleles, 213 heterozygotes, 1 homozygote.
Comment: This study involves interpretation of variants in research participants for the purpose of population health screening. Participant phenotype was not available at the time of variant classification. Additional details can be found in publication PMID: 35346344, PMCID: PMC8962531

CHEO Genetics Diagnostic Laboratory, Children's Hospital of Eastern Ontario
Classification: Likely benign for Breast and/or ovarian cancer. Last evaluated: 2023-06-22. Review status: criteria provided, single submitter. Criteria: ACMG Guidelines, 2015. Collection method: clinical testing. Allele origin: germline.

Women's Health and Genetics/Laboratory Corporation of America, LabCorp
Classification: Benign. Last evaluated: 2022-09-26. Review status: criteria provided, single submitter. Criteria: LabCorp Variant Classification Summary - May 2015. Collection method: clinical testing. Allele origin: germline.
Comment: Variant summary: PMS2 c.86G>C (p.Gly29Ala) results in a non-conservative amino acid change located in the DNA mismatch repair protein family, N-terminal of the encoded protein sequence. Five of five in-silico tools predict a damaging effect of the variant on protein function. The variant allele was found at a frequency of 0.00061 in 245776 control chromosomes in the gnomAD database, including 1 homozygotes. The observed variant frequency is approximately 9 fold of the estimated maximal expected allele frequency for a pathogenic variant in PMS2 causing Hereditary Nonpolyposis Colorectal Cancer phenotype (7.1e-05), strongly suggesting that the variant is benign. c.86G>C has been reported in the literature in individuals affected with Hereditary Nonpolyposis Colorectal Cancer. These reports do not provide unequivocal conclusions about association of the variant with Hereditary Nonpolyposis Colorectal Cancer. Co-occurrence with a pathogenic variant has been reported (PMS2 exon 10 deletion, Goodenberger_2015), providing supporting evidence for a benign role. To our knowledge, no experimental evidence demonstrating an impact on protein function has been reported. Fourteen clinical diagnostic laboratories have submitted clinical-significance assessments for this variant to ClinVar after 2014 without evidence for independent evaluation. Multiple laboratories reported the variant with conflicting assessments (benign/likely benign n=9, VUS n=5). Based on the evidence outlined above, the variant was classified as benign.